The following is an entry in ClinVar:

ClinVar aggregate classification (germline): Likely benign. Review status: criteria provided, multiple submitters, no conflicts (2 of 4 stars). 2 submissions from 2 submitters: Likely benign (2). Last evaluated 2026-03-18.

Conditions:
Epidermolysis bullosa simplex 3, localized or generalized intermediate, with BP230 deficiency (EBS3). Also called: Epidermolysis bullosa simplex due to BP230 deficiency; Epidermolysis bullosa simplex, autosomal recessive 2. Identifiers: Orphanet 412181, MedGen C3809470, MONDO:0014180, OMIM 615425.
Hereditary sensory and autonomic neuropathy type 6. Also called: Neuropathy, hereditary sensory and autonomic, type VI; HSAN VI. Identifiers: Orphanet 314381, MedGen C3539003, MONDO:0013839, OMIM 614653.
DST-related disorder. Also called: DST-related disorders; DST-related condition.

Allele frequency attached by ClinVar (database versions not stated): gnomAD exomes 0.00006 and 0.00031; gnomAD 0.00008 and 0.00009; TOPMed 0.00012; 1000 Genomes Project 30x 0.00031; ExAC 0.00036; 1000 Genomes Project 0.00040.
gnomAD v4.1: 107 of 1,614,192 alleles (0.0066%); highest among the groups gnomAD compares: East Asian, 0.22%; no homozygotes.

Submissions (2):

PreventionGenetics, part of Exact Sciences
Classification: Likely benign for DST-related condition. Last evaluated: 2026-03-18. Review status: criteria provided, single submitter. Criteria: ACMG Guidelines, 2015. Collection method: clinical testing. Allele origin: germline.
Comment: This variant is classified as likely benign based on ACMG/AMP sequence variant interpretation guidelines (Richards et al. 2015 PMID: 25741868, with internal and published modifications).

Labcorp Genetics (formerly Invitae), Labcorp
Classification: Likely benign for Epidermolysis bullosa simplex 3, localized or generalized intermediate, with BP230 deficiency; Hereditary sensory and autonomic neuropathy type 6. Last evaluated: 2024-10-03. Review status: criteria provided, single submitter. Criteria: Invitae Variant Classification Sherloc (09022015). Collection method: clinical testing. Allele origin: germline.

NM_001723.7(DST):c.5447A>C (p.Gln1816Pro)

Gene: DST (dystonin; minus strand). Cytogenetic location: 6p12.1.
Variant type: single nucleotide variant.
Coding change: c.5447A>C on transcript NM_001723.7 (MANE Plus Clinical); coding-DNA position 5447, A replaced by C.
Protein change: p.Gln1816Pro; replaces glutamine 1816 with proline.
Molecular consequence: missense variant. On other transcripts: intron variant (10).
Genome position (GRCh38, 1-based): chr6:56,618,587, T>G on the plus strand (A>C on the coding strand, the complement: DST is on the minus strand). VCF-style: chr6-56618587-T-G. GRCh37 (hg19) VCF-style: chr6-56483385-T-G.
Other names: c.4831-4103A>C (NM_001144769.5); c.4930-4103A>C (NM_001374722.1, NM_001374736.1); c.4957-4103A>C (NM_001374734.1); c.4417-4103A>C (NM_001144770.2); c.4297-4103A>C (NM_001374730.1, NM_001386100.1, NM_183380.4 and 1 more transcripts); c.3319-4103A>C (NM_015548.5); short protein forms Q1816P.
Identifiers: ClinVar variation 703966 (VCV000703966.12), dbSNP rs368746654, ClinGen allele CA3870358.